The following is an entry in ClinVar:

NM_001130004.2(ACTN1):c.744C>T (p.Ala248=)

Gene: ACTN1 (actinin alpha 1; minus strand). Cytogenetic location: 14q24.1.
Variant type: single nucleotide variant.
Coding change: c.744C>T on transcript NM_001130004.2 (MANE Select); coding-DNA position 744, C replaced by T.
Protein change: p.Ala248=; no amino-acid change (alanine 248 retained).
Molecular consequence: synonymous variant. On other transcripts: 5 prime UTR variant (1).
Genome position (GRCh38, 1-based): chr14:68,902,495, G>A on the plus strand (C>T on the coding strand, the complement: ACTN1 is on the minus strand). VCF-style: chr14-68902495-G-A. GRCh37 (hg19) VCF-style: chr14-69369212-G-A.
Other names: c.744C>T, p.Ala248= (NM_001102.4, NM_001130005.2, NM_001411035.1 and 9 more transcripts); c.549C>T, p.Ala183= (NM_001411036.1, NM_001424026.1, NM_001424028.1); c.870C>T, p.Ala290= (NM_001424013.1); c.831C>T, p.Ala277= (NM_001424015.1); c.741C>T, p.Ala247= (NM_001424017.1); c.681C>T, p.Ala227= (NM_001424018.1, NM_001424020.1, NM_001424022.1); c.675C>T, p.Ala225= (NM_001424021.1); c.-167C>T (NM_001424030.1).
Identifiers: ClinVar variation 3058062 (VCV003058062.3), dbSNP rs774184505, ClinGen allele CA7242590.
Genomic context (GRCh38, chr14:68,902,495, plus strand): 5'-GGAGGTGTGCTGGGCATGGAAGGAGCAGGGGGCCCCGGGTACCTTCTGGGCTCCAGAGAA[G>A]GCGTGGTAGAAGCTAGACACGTAAGTCATGATGGCTTTCTCATCCGGTCGGGCAGTTCCA-3'
Protein context (NP_001123476.1, residues 238-258): IMTYVSSFYH[Ala248=]FSGAQKAETA

ClinVar aggregate classification (germline): Likely benign. Review status: criteria provided, single submitter (1 of 4 stars). 2 submissions from 2 submitters: Likely benign (1). 1 of the submissions does not count toward it. Last evaluated 2025-12-01.

Conditions:
ACTN1-related disorder. Also called: ACTN1-related condition.

Allele frequency attached by ClinVar (database versions not stated): gnomAD exomes 0.00002; gnomAD 0.00003; TOPMed 0.00003; ExAC 0.00004.
gnomAD v4.1: 16 of 1,613,814 alleles (0.00099%); highest among the groups gnomAD compares: Admixed American, 0.023%; no homozygotes.

Submissions (2):

Labcorp Genetics (formerly Invitae), Labcorp
Classification: Likely benign. Last evaluated: 2025-12-01. Review status: criteria provided, single submitter. Criteria: Invitae Variant Classification Sherloc (09022015). Collection method: clinical testing. Allele origin: germline.

PreventionGenetics, part of Exact Sciences
Classification: Likely benign for ACTN1-related condition. Last evaluated: 2019-02-28. Review status: no assertion criteria provided. Collection method: clinical testing. Allele origin: germline. Not counted in ClinVar's aggregate classification.
Comment: This variant is classified as likely benign based on ACMG/AMP sequence variant interpretation guidelines (Richards et al. 2015 PMID: 25741868, with internal and published modifications).